The following is an entry in ClinVar:

ClinVar aggregate classification (germline): Uncertain significance. Review status: criteria provided, multiple submitters, no conflicts (2 of 4 stars). 3 submissions from 3 submitters: Uncertain significance (3). Last evaluated 2025-04-29.

Conditions:
Inborn genetic diseases. Identifiers: MedGen C0950123, MeSH D030342.
Charcot-Marie-Tooth disease axonal type 2O. Also called: CHARCOT-MARIE-TOOTH NEUROPATHY, AXONAL, TYPE 2O; CHARCOT-MARIE-TOOTH DISEASE, AXONAL, AUTOSOMAL DOMINANT, TYPE 2O; Charcot-Marie-Tooth Neuropathy Type 2O; Charcot-Marie-Tooth disease, axonal, type 20. Identifiers: Orphanet 284232, MedGen C3280220, MONDO:0013644, OMIM 614228.

Allele frequency attached by ClinVar (database versions not stated): gnomAD 0.00001; gnomAD exomes below 0.00001.
gnomAD v4.1: 2 of 1,613,900 alleles (0.00012%); highest among the groups gnomAD compares: Admixed American, 0.0033%; no homozygotes.

Submissions (3):

Labcorp Genetics (formerly Invitae), Labcorp
Classification: Uncertain significance for Charcot-Marie-Tooth disease axonal type 2O. Last evaluated: 2025-04-29. Review status: criteria provided, single submitter. Criteria: Invitae Variant Classification Sherloc (09022015). Collection method: clinical testing. Allele origin: germline.
Comment: This sequence change replaces alanine, which is neutral and non-polar, with serine, which is neutral and polar, at codon 4083 of the DYNC1H1 protein (p.Ala4083Ser). This variant is not present in population databases (gnomAD no frequency). This variant has not been reported in the literature in individuals affected with DYNC1H1-related conditions. ClinVar contains an entry for this variant (Variation ID: 1753772). Invitae Evidence Modeling of protein sequence and biophysical properties (such as structural, functional, and spatial information, amino acid conservation, physicochemical variation, residue mobility, and thermodynamic stability) indicates that this missense variant is not expected to disrupt DYNC1H1 protein function with a negative predictive value of 95%. In summary, the available evidence is currently insufficient to determine the role of this variant in disease. Therefore, it has been classified as a Variant of Uncertain Significance.

GeneDx
Classification: Uncertain significance. Last evaluated: 2025-02-06. Review status: criteria provided, single submitter. Criteria: GeneDx Variant Classification Process June 2021. Collection method: clinical testing. Allele origin: germline. Affected: yes.
Comment: Not observed at significant frequency in large population cohorts (gnomAD); In silico analysis supports that this missense variant does not alter protein structure/function; Has not been previously published as pathogenic or benign to our knowledge; This variant is associated with the following publications: (PMID: 26100331, 25609763, 25512093)

Ambry Genetics
Classification: Uncertain significance for Inborn genetic diseases. Last evaluated: 2021-08-09. Review status: criteria provided, single submitter. Criteria: Ambry Variant Classification Scheme 2023. Collection method: clinical testing. Allele origin: germline.
Comment: The p.A4083S variant (also known as c.12247G>T), located in coding exon 67 of the DYNC1H1 gene, results from a G to T substitution at nucleotide position 12247. The alanine at codon 4083 is replaced by serine, an amino acid with similar properties. This amino acid position is conserved. In addition, this alteration is predicted to be tolerated by in silico analysis. Since supporting evidence is limited at this time, the clinical significance of this alteration remains unclear.

NM_001376.5(DYNC1H1):c.12247G>T (p.Ala4083Ser)

Gene: DYNC1H1 (dynein cytoplasmic 1 heavy chain 1; plus strand). Cytogenetic location: 14q32.31.
Variant type: single nucleotide variant.
Coding change: c.12247G>T on transcript NM_001376.5 (MANE Select); coding-DNA position 12247, G replaced by T.
Protein change: p.Ala4083Ser; replaces alanine 4083 with serine.
Molecular consequence: missense variant.
Genome position (GRCh38, 1-based): chr14:102,042,260, G>T. VCF-style: chr14-102042260-G-T. GRCh37 (hg19) VCF-style: chr14-102508597-G-T.
Other names: short protein forms A4083S.
Identifiers: ClinVar variation 1753772 (VCV001753772.6), dbSNP rs1333412604, ClinGen allele CA391039145.
Genomic context (GRCh38, chr14:102,042,260, plus strand): 5'-CTGCTAACACTAAGTTTCCCTGCACCAGGCTCTGCAGAAGGCTTTAACCAAGCAGATAAG[G>T]CAATAAACACCGCTGTAAAGTCGGGCAGGTAGGCCTGTTCTCTTTGGCTGAAGAAAGCCT-3'
Protein context (NP_001367.2, residues 4073-4093): SAEGFNQADK[Ala4083Ser]INTAVKSGRW